The following is an entry in ClinVar:

NM_001080467.3(MYO5B):c.1323-6C>T

Gene: MYO5B (myosin VB; minus strand). Cytogenetic location: 18q21.1.
Variant type: single nucleotide variant.
Coding change: c.1323-6C>T on transcript NM_001080467.3 (MANE Select); 6 bases into the intron before coding-DNA position 1323, C replaced by T.
Molecular consequence: intron variant.
Genome position (GRCh38, 1-based): chr18:49,963,036, G>A on the plus strand (C>T on the coding strand, the complement: MYO5B is on the minus strand). VCF-style: chr18-49963036-G-A. GRCh37 (hg19) VCF-style: chr18-47489406-G-A.
Identifiers: ClinVar variation 3033742 (VCV003033742.2), dbSNP rs2511325013, ClinGen allele CA2641795865.

ClinVar aggregate classification (germline): Likely benign (0 of 4 stars; one submission).

Conditions:
MYO5B-related disorder. Also called: MYO5B-related condition.

gnomAD v4.1: 1 of 1,611,668 alleles (0.000062%); highest among the groups gnomAD compares: Non-Finnish European, 0.000085%; no homozygotes.

Submission:

PreventionGenetics, part of Exact Sciences
Classification: Likely benign for MYO5B-related condition. Last evaluated: 2023-12-07. Review status: no assertion criteria provided. Collection method: clinical testing. Allele origin: germline.
Comment: This variant is classified as likely benign based on ACMG/AMP sequence variant interpretation guidelines (Richards et al. 2015 PMID: 25741868, with internal and published modifications).